The following is an entry in ClinVar:

NM_006767.4(LZTR1):c.1565A>T (p.Glu522Val)

Gene: LZTR1 (leucine zipper like post translational regulator 1; plus strand). Cytogenetic location: 22q11.21.
Variant type: single nucleotide variant.
Coding change: c.1565A>T on transcript NM_006767.4 (MANE Select); coding-DNA position 1565, A replaced by T.
Protein change: p.Glu522Val; replaces glutamic acid 522 with valine.
Molecular consequence: missense variant.
Genome position (GRCh38, 1-based): chr22:20,994,219, A>T. VCF-style: chr22-20994219-A-T. GRCh37 (hg19) VCF-style: chr22-21348508-A-T.
Other names: short protein forms E522V.
Identifiers: ClinVar variation 4859417 (VCV004859417.1).

ClinVar aggregate classification (germline): Uncertain significance (1 of 4 stars; one submission).

Conditions:
Cardiovascular phenotype. Identifiers: MedGen CN230736.
Hereditary cancer-predisposing syndrome. Also called: Neoplastic Syndromes, Hereditary; Tumor predisposition; Hereditary Cancer Syndrome; Hereditary neoplastic syndrome. Identifiers: Orphanet 140162, MedGen C0027672, MeSH D009386, MONDO:0015356.

Submission:

Ambry Genetics
Classification: Uncertain significance for Cardiovascular phenotype; Hereditary cancer-predisposing syndrome. Last evaluated: 2026-05-22. Review status: criteria provided, single submitter. Criteria: Ambry Variant Classification Scheme 2023. Collection method: clinical testing. Allele origin: germline.
Comment: The p.E522V variant (also known as c.1565A>T), located in coding exon 14 of the LZTR1 gene, results from an A to T substitution at nucleotide position 1565. The glutamic acid at codon 522 is replaced by valine, an amino acid with dissimilar properties. This amino acid position is conserved. In addition, the in silico prediction for this alteration is inconclusive. Based on the available evidence, the clinical significance of this variant remains unclear.